The following is an entry in ClinVar:

NM_002691.4(POLD1):c.306C>G (p.Asp102Glu)

Gene: POLD1 (DNA polymerase delta 1, catalytic subunit; plus strand). Cytogenetic location: 19q13.33.
Variant type: single nucleotide variant.
Coding change: c.306C>G on transcript NM_002691.4 (MANE Select); coding-DNA position 306, C replaced by G.
Protein change: p.Asp102Glu; replaces aspartic acid 102 with glutamic acid.
Molecular consequence: missense variant. On other transcripts: non-coding transcript variant (1).
Genome position (GRCh38, 1-based): chr19:50,399,474, C>G. VCF-style: chr19-50399474-C-G. GRCh37 (hg19) VCF-style: chr19-50902731-C-G.
Other names: c.306C>G, p.Asp102Glu (NM_001256849.1, NM_001308632.1); short protein forms D102E.
Identifiers: ClinVar variation 643097 (VCV000643097.9), dbSNP rs751896972, ClinGen allele CA406970664.

ClinVar aggregate classification (germline): Uncertain significance. Review status: criteria provided, multiple submitters, no conflicts (2 of 4 stars). 2 submissions from 2 submitters: Uncertain significance (2). Last evaluated 2024-07-22.

Conditions:
POLD1-related polyposis and colorectal cancer syndrome (CRCS10). Also called: Colorectal cancer, susceptibility to, 10; Colorectal cancer 10; COLORECTAL CANCER, SUSCEPTIBILITY TO, ON CHROMOSOME 19q. Identifiers: Orphanet 220460, MedGen C2675481, MONDO:0012953, OMIM 612591.

Submissions (2):

GeneDx
Classification: Uncertain significance. Last evaluated: 2024-07-22. Review status: criteria provided, single submitter. Criteria: GeneDx Variant Classification Process June 2021. Collection method: clinical testing. Allele origin: germline. Affected: yes.
Comment: Not observed at significant frequency in large population cohorts (gnomAD); In silico analysis supports that this missense variant has a deleterious effect on protein structure/function; Has not been previously published as pathogenic or benign to our knowledge

Labcorp Genetics (formerly Invitae), Labcorp
Classification: Uncertain significance for POLD1-related polyposis and colorectal cancer syndrome. Last evaluated: 2018-08-15. Review status: criteria provided, single submitter. Criteria: Invitae Variant Classification Sherloc (09022015). Collection method: clinical testing. Allele origin: germline.
Comment: This sequence change replaces aspartic acid with glutamic acid at codon 102 of the POLD1 protein (p.Asp102Glu). The aspartic acid residue is moderately conserved and there is a small physicochemical difference between aspartic acid and glutamic acid. This variant is not present in population databases (ExAC no frequency). This variant has not been reported in the literature in individuals with POLD1-related disease. Algorithms developed to predict the effect of missense changes on protein structure and function (SIFT, PolyPhen-2, Align-GVGD) all suggest that this variant is likely to be tolerated, but these predictions have not been confirmed by published functional studies and their clinical significance is uncertain. In summary, the available evidence is currently insufficient to determine the role of this variant in disease. Therefore, it has been classified as a Variant of Uncertain Significance.